The following is an entry in ClinVar:

ClinVar aggregate classification (germline): Pathogenic (1 of 4 stars; one submission).

Submission:

Labcorp Genetics (formerly Invitae), Labcorp
Classification: Pathogenic. Last evaluated: 2023-06-10. Review status: criteria provided, single submitter. Criteria: Invitae Variant Classification Sherloc (09022015). Collection method: clinical testing. Allele origin: unknown.
Comment: For these reasons, this variant has been classified as Pathogenic. A similar copy number variant has been observed in individual(s) with congenital ichthyosis (PMID: 15756637, 16902423). This variant is a gross deletion of the genomic region encompassing exon(s) 8 of the ABCA12 gene. This deletion is out-of-frame, and is expected to create a premature termination codon and result in an absent or disrupted protein product. Loss-of-function variants in ABCA12 are known to be pathogenic (PMID: 20672373).

Literature cited by the submitters: PubMed 15756637; PubMed 16902423; PubMed 20672373.

NC_000002.11:g.(?_215901657)_(215901809_?)del

Gene: ABCA12 (ATP binding cassette subfamily A member 12; minus strand). Cytogenetic location: 2q35.
Variant type: Deletion.
Identifiers: ClinVar variation 3247592 (VCV003247592.1).